The following is an entry in ClinVar:

ClinVar aggregate classification (germline): Uncertain significance. Review status: criteria provided, single submitter (1 of 4 stars). 3 submissions from 3 submitters: Uncertain significance (1). 2 of the submissions do not count toward it. Last evaluated 2019-04-12.

Conditions:
Asphyxiating thoracic dystrophy 3. Also called: Short rib polydactyly syndrome 2B; POLYDACTYLY WITH NEONATAL CHONDRODYSTROPHY, TYPE I; SHORT-RIB THORACIC DYSPLASIA 3/6 WITH POLYDACTYLY, DIGENIC; Saldino-Noonan Syndrome; SHORT-RIB THORACIC DYSPLASIA 3 WITH OR WITHOUT POLYDACTYLY. Identifiers: Orphanet 474, Orphanet 93269, Orphanet 93270, Orphanet 93271, MedGen C0036069, MONDO:0013127, OMIM 613091.

gnomAD v4.1: 2 of 1,599,754 alleles (0.00013%); highest among the groups gnomAD compares: Non-Finnish European, 0.000085%; no homozygotes.

Submissions (3):

GeneDx
Classification: Uncertain significance. Last evaluated: 2019-04-12. Review status: criteria provided, single submitter. Criteria: GeneDx Variant Classification Process June 2021. Collection method: clinical testing. Allele origin: germline. Affected: yes.
Comment: Identified in a patient diagnosed with short rib-polydactyly syndrome, type 3 (Zhang et al., 2018); Not observed in large population cohorts (Lek et al., 2016); In silico analysis, which includes protein predictors and evolutionary conservation, supports a deleterious effect; This variant is associated with the following publications: (PMID: 29068549)

Dan Cohn Lab, University Of California Los Angeles
Classification: Pathogenic for Asphyxiating thoracic dystrophy 3. Last evaluated: 2017-06-01. Review status: no assertion criteria provided. Collection method: research. Allele origin: maternal. Affected: yes. Not counted in ClinVar's aggregate classification.

University of Washington Center for Mendelian Genomics, University of Washington
Classification: Likely pathogenic for Asphyxiating thoracic dystrophy 3. Review status: no assertion criteria provided. Collection method: research. Allele origin: inherited. Affected: yes. Not counted in ClinVar's aggregate classification.

Literature cited by the submitters: PubMed 29068549 (cited by Dan Cohn Lab, University Of California Los Angeles and University of Washington Center for Mendelian Genomics, University of Washington).

NM_001377.3(DYNC2H1):c.5129T>A (p.Val1710Asp)

Gene: DYNC2H1 (dynein cytoplasmic 2 heavy chain 1; plus strand). Cytogenetic location: 11q22.3.
Variant type: single nucleotide variant.
Coding change: c.5129T>A on transcript NM_001377.3 (MANE Select); coding-DNA position 5129, T replaced by A.
Protein change: p.Val1710Asp; replaces valine 1710 with aspartic acid.
Molecular consequence: missense variant.
Genome position (GRCh38, 1-based): chr11:103,170,268, T>A. VCF-style: chr11-103170268-T-A. GRCh37 (hg19) VCF-style: chr11-103040997-T-A.
Other names: c.5129T>A, p.Val1710Asp (NM_001080463.2); short protein forms V1710D.
Identifiers: ClinVar variation 446567 (VCV000446567.5), dbSNP rs777396565, ClinGen allele CA382241412.